The following is an entry in ClinVar:

NM_001134382.3(IQSEC1):c.1046C>T (p.Pro349Leu)

Gene: IQSEC1 (IQ motif and Sec7 domain ArfGEF 1; minus strand). Cytogenetic location: 3p25.2.
Variant type: single nucleotide variant.
Coding change: c.1046C>T on transcript NM_001134382.3 (MANE Select); coding-DNA position 1046, C replaced by T.
Protein change: p.Pro349Leu; replaces proline 349 with leucine.
Molecular consequence: missense variant.
Genome position (GRCh38, 1-based): chr3:12,935,970, G>A on the plus strand (C>T on the coding strand, the complement: IQSEC1 is on the minus strand). VCF-style: chr3-12935970-G-A. GRCh37 (hg19) VCF-style: chr3-12977470-G-A.
Other names: c.722C>T, p.Pro241Leu (NM_001330619.3); c.1370C>T, p.Pro457Leu (NM_001376938.2); c.1088C>T, p.Pro363Leu (NM_014869.8); c.1046C>T (NM_001134382.1); short protein forms P363L, P457L, P241L, P349L.
Identifiers: ClinVar variation 2159756 (VCV002159756.5), dbSNP rs745615824, ClinGen allele CA2262364.

ClinVar aggregate classification (germline): Uncertain significance. Review status: criteria provided, multiple submitters, no conflicts (2 of 4 stars). 2 submissions from 2 submitters: Uncertain significance (2). Last evaluated 2025-05-26.

Allele frequency attached by ClinVar (database versions not stated): ExAC 0.00006; TOPMed 0.00006; gnomAD 0.00009; gnomAD exomes 0.00013.
gnomAD v4.1: 201 of 1,599,044 alleles (0.013%); highest among the groups gnomAD compares: Middle Eastern, 0.085%; no homozygotes.

Submissions (2):

Ambry Genetics
Classification: Uncertain significance. Last evaluated: 2025-05-26. Review status: criteria provided, single submitter. Criteria: Ambry Variant Classification Scheme 2023. Collection method: clinical testing. Allele origin: germline.

Labcorp Genetics (formerly Invitae), Labcorp
Classification: Uncertain significance. Last evaluated: 2022-04-30. Review status: criteria provided, single submitter. Criteria: Invitae Variant Classification Sherloc (09022015). Collection method: clinical testing. Allele origin: germline.
Comment: In summary, the available evidence is currently insufficient to determine the role of this variant in disease. Therefore, it has been classified as a Variant of Uncertain Significance. Experimental studies and prediction algorithms are not available or were not evaluated, and the functional significance of this variant is currently unknown. This variant has not been reported in the literature in individuals affected with IQSEC1-related conditions. The frequency data for this variant in the population databases is considered unreliable, as metrics indicate poor data quality at this position in the gnomAD database. This sequence change replaces proline, which is neutral and non-polar, with leucine, which is neutral and non-polar, at codon 349 of the IQSEC1 protein (p.Pro349Leu).